The following is an entry in ClinVar:

NM_003737.4(DCHS1):c.3463C>T (p.Arg1155Cys)

Gene: DCHS1 (dachsous cadherin-related 1; minus strand). Cytogenetic location: 11p15.4.
Variant type: single nucleotide variant.
Coding change: c.3463C>T on transcript NM_003737.4 (MANE Select); coding-DNA position 3463, C replaced by T.
Protein change: p.Arg1155Cys; replaces arginine 1155 with cysteine.
Molecular consequence: missense variant.
Genome position (GRCh38, 1-based): chr11:6,632,049, G>A on the plus strand (C>T on the coding strand, the complement: DCHS1 is on the minus strand). VCF-style: chr11-6632049-G-A. GRCh37 (hg19) VCF-style: chr11-6653280-G-A.
Other names: short protein forms R1155C.
Identifiers: ClinVar variation 2386726 (VCV002386726.4), dbSNP rs199860951, ClinGen allele CA5860539.

ClinVar aggregate classification (germline): Uncertain significance. Review status: criteria provided, multiple submitters, no conflicts (2 of 4 stars). 2 submissions from 2 submitters: Uncertain significance (2). Last evaluated 2026-01-28.

Conditions:
Inborn genetic diseases. Identifiers: MedGen C0950123, MeSH D030342.

Allele frequency attached by ClinVar (database versions not stated): TOPMed 0.00002; 1000 Genomes Project 0.00020; gnomAD exomes 0.00001; gnomAD 0.00002; 1000 Genomes Project 30x 0.00016; ExAC 0.00002.
gnomAD v4.1: 18 of 1,516,322 alleles (0.0012%); highest among the groups gnomAD compares: East Asian, 0.0045%; no homozygotes.

Submissions (2):

Labcorp Genetics (formerly Invitae), Labcorp
Classification: Uncertain significance. Last evaluated: 2026-01-28. Review status: criteria provided, single submitter. Criteria: Invitae Variant Classification Sherloc (09022015). Collection method: clinical testing. Allele origin: germline.
Comment: This sequence change replaces arginine, which is basic and polar, with cysteine, which is neutral and slightly polar, at codon 1155 of the DCHS1 protein (p.Arg1155Cys). This variant is present in population databases (rs199860951, gnomAD 0.006%). This variant has not been reported in the literature in individuals affected with DCHS1-related conditions. ClinVar contains an entry for this variant (Variation ID: 2386726). Invitae Evidence Modeling of protein sequence and biophysical properties (such as structural, functional, and spatial information, amino acid conservation, physicochemical variation, residue mobility, and thermodynamic stability) indicates that this missense variant is not expected to disrupt DCHS1 protein function with a negative predictive value of 80%. In summary, the available evidence is currently insufficient to determine the role of this variant in disease. Therefore, it has been classified as a Variant of Uncertain Significance.

Ambry Genetics
Classification: Uncertain significance for Inborn genetic diseases. Last evaluated: 2022-12-06. Review status: criteria provided, single submitter. Criteria: Ambry Variant Classification Scheme 2023. Collection method: clinical testing. Allele origin: germline.